The following is an entry in ClinVar:

NM_020297.4(ABCC9):c.3575C>A (p.Thr1192Asn)

Genes: ABCC9 (ATP binding cassette subfamily C member 9; minus strand), KCNJ8-AS1 (KCNJ8 antisense RNA 1; plus strand). Cytogenetic location: 12p12.1.
Variant type: single nucleotide variant.
Coding change: c.3575C>A on transcript NM_020297.4 (MANE Select); coding-DNA position 3575, C replaced by A.
Protein change: p.Thr1192Asn; replaces threonine 1192 with asparagine.
Molecular consequence: missense variant.
Genome position (GRCh38, 1-based): chr12:21,829,052, G>T on the plus strand (C>A on the coding strand, the complement: ABCC9 is on the minus strand). VCF-style: chr12-21829052-G-T. GRCh37 (hg19) VCF-style: chr12-21981986-G-T.
Other names: c.3575C>A, p.Thr1192Asn (NM_001377273.1, NM_005691.4); c.2708C>A, p.Thr903Asn (NM_001377274.1); short protein forms T1192N, T903N.
Identifiers: ClinVar variation 452568 (VCV000452568.10), dbSNP rs1475546623, ClinGen allele CA384140359.

ClinVar aggregate classification (germline): Uncertain significance. Review status: criteria provided, multiple submitters, no conflicts (2 of 4 stars). 3 submissions from 3 submitters: Uncertain significance (3). Last evaluated 2025-09-09.

Conditions:
Cardiovascular phenotype. Identifiers: MedGen CN230736.
Dilated cardiomyopathy 1O (CMD1O). Also called: CARDIOMYOPATHY, DILATED, WITH VENTRICULAR TACHYCARDIA. Identifiers: Orphanet 154, MedGen C1837839, MONDO:0012062, OMIM 608569.

Allele frequency attached by ClinVar (database versions not stated): gnomAD exomes below 0.00001 and 0.00001; gnomAD 0.00001; TOPMed 0.00001.
gnomAD v4.1: 23 of 1,613,574 alleles (0.0014%); highest among the groups gnomAD compares: Non-Finnish European, 0.0019%; no homozygotes.

Submissions (3):

Ambry Genetics
Classification: Uncertain significance for Cardiovascular phenotype. Last evaluated: 2025-09-09. Review status: criteria provided, single submitter. Criteria: Ambry Variant Classification Scheme 2023. Collection method: clinical testing. Allele origin: germline.
Comment: The p.T1192N variant (also known as c.3575C>A), located in coding exon 29 of the ABCC9 gene, results from a C to A substitution at nucleotide position 3575. The threonine at codon 1192 is replaced by asparagine, an amino acid with similar properties. This amino acid position is not well conserved in available vertebrate species. In addition, this alteration is predicted to be tolerated by in silico analysis. Since supporting evidence is limited at this time, the clinical significance of this alteration remains unclear.

Labcorp Genetics (formerly Invitae), Labcorp
Classification: Uncertain significance for Dilated cardiomyopathy 1O. Last evaluated: 2024-10-31. Review status: criteria provided, single submitter. Criteria: Invitae Variant Classification Sherloc (09022015). Collection method: clinical testing. Allele origin: germline.
Comment: This sequence change replaces threonine, which is neutral and polar, with asparagine, which is neutral and polar, at codon 1192 of the ABCC9 protein (p.Thr1192Asn). This variant is present in population databases (no rsID available, gnomAD 0.002%). This variant has not been reported in the literature in individuals affected with ABCC9-related conditions. ClinVar contains an entry for this variant (Variation ID: 452568). Invitae Evidence Modeling of protein sequence and biophysical properties (such as structural, functional, and spatial information, amino acid conservation, physicochemical variation, residue mobility, and thermodynamic stability) indicates that this missense variant is not expected to disrupt ABCC9 protein function with a negative predictive value of 95%. In summary, the available evidence is currently insufficient to determine the role of this variant in disease. Therefore, it has been classified as a Variant of Uncertain Significance.

GeneDx
Classification: Uncertain significance. Last evaluated: 2017-10-03. Review status: criteria provided, single submitter. Criteria: GeneDx Variant Classification (06012015). Collection method: clinical testing. Allele origin: germline. Affected: yes.
Comment: The T1192N variant has not beenpublished as pathogenic or been reported as benign to our knowledge. In addition, it is not observed at a significantfrequency in large population cohorts (Lek et al., 2016). The T1192N variant is a conservative amino acidsubstitution, which is not likely to impact secondary protein structure as these residues share similar properties.Furthermore, this substitution occurs at a position that is not conserved across species, and in silico analysis predictsthis variant likely does not alter the protein structure/function.